The following is an entry in ClinVar:

NM_001367561.1(DOCK7):c.4056A>G (p.Ser1352=)

Gene: DOCK7 (dedicator of cytokinesis 7; minus strand). Cytogenetic location: 1p31.3.
Variant type: single nucleotide variant.
Coding change: c.4056A>G on transcript NM_001367561.1 (MANE Select); coding-DNA position 4056, A replaced by G.
Protein change: p.Ser1352=; no amino-acid change (serine 1352 retained).
Molecular consequence: synonymous variant.
Genome position (GRCh38, 1-based): chr1:62,513,779, T>C on the plus strand (A>G on the coding strand, the complement: DOCK7 is on the minus strand). VCF-style: chr1-62513779-T-C. GRCh37 (hg19) VCF-style: chr1-62979450-T-C.
Other names: c.4056A>G, p.Ser1352= (NM_001271999.2, NM_001330614.2); c.3963A>G, p.Ser1321= (NM_001272000.2, NM_001272001.2, NM_033407.4).
Identifiers: ClinVar variation 475143 (VCV000475143.38), dbSNP rs144949335, ClinGen allele CA885814.
Genomic context (GRCh38, chr1:62,513,779, plus strand): 5'-ATACTCAAAGCAAGACACACAGAGATAAAGCAGATCTAATAGCCGGTTTAGCTGCAAGAC[T>C]GAGAGATCTGTAAACCACTTCTGTAGAACTGTTTCATCTGCATTTTTGAGAACCCAAAGT-3'
Protein context (NP_001354490.1, residues 1342-1362): TVLQKWFTDL[Ser1352=]VLQLNRLLDL

ClinVar aggregate classification (germline): Likely benign. Review status: criteria provided, multiple submitters, no conflicts (2 of 4 stars). 7 submissions from 7 submitters: Likely benign (6). 1 of the submissions does not count toward it. Last evaluated 2026-03-01.

Conditions:
Developmental and epileptic encephalopathy, 23 (DEE23). Also called: Epileptic encephalopathy, early infantile, 23. Identifiers: Orphanet 411986, MedGen C4014492, MONDO:0014371, OMIM 615859.
DOCK7-related disorder. Also called: DOCK7-related condition.

Allele frequency attached by ClinVar (database versions not stated): gnomAD 0.00011 and 0.00012; gnomAD exomes 0.00012 and 0.00017; TOPMed 0.00016; ExAC 0.00018; 1000 Genomes Project 30x 0.00031; ESP Exome Variant Server 0.00031; 1000 Genomes Project 0.00040.
gnomAD v4.1: 203 of 1,614,184 alleles (0.013%); highest among the groups gnomAD compares: Middle Eastern, 0.33%; no homozygotes.

Submissions (7):

CeGaT Center for Human Genetics Tuebingen
Classification: Likely benign. Last evaluated: 2026-03-01. Review status: criteria provided, single submitter. Criteria: CeGaT Center For Human Genetics Tuebingen Variant Classification Criteria Version 2. Collection method: clinical testing. Allele origin: germline. Affected: yes. Observed: 2 variant alleles.
Comment: DOCK7: BP4, BP7

Labcorp Genetics (formerly Invitae), Labcorp
Classification: Likely benign for Developmental and epileptic encephalopathy, 23. Last evaluated: 2025-12-30. Review status: criteria provided, single submitter. Criteria: Invitae Variant Classification Sherloc (09022015). Collection method: clinical testing. Allele origin: germline.

Blueprint Genetics
Classification: Likely benign. Last evaluated: 2024-09-30. Review status: criteria provided, single submitter. Criteria: ACMG Guidelines, 2015. Collection method: clinical testing. Allele origin: germline.

Genome-Nilou Lab
Classification: Likely benign for Developmental and epileptic encephalopathy, 23. Last evaluated: 2023-04-11. Review status: criteria provided, single submitter. Criteria: ACMG Guidelines, 2015. Collection method: clinical testing. Allele origin: germline. Affected: no.

GeneDx
Classification: Likely benign. Last evaluated: 2021-06-01. Review status: criteria provided, single submitter. Criteria: GeneDx Variant Classification Process June 2021. Collection method: clinical testing. Allele origin: germline. Affected: yes.

Breakthrough Genomics
Classification: Likely benign. Review status: criteria provided, single submitter. Criteria: ACMG Guidelines, 2015. Collection method: not provided. Allele origin: germline. Inheritance: Autosomal recessive inheritance. Affected: yes.

PreventionGenetics, part of Exact Sciences
Classification: Likely benign for DOCK7-related condition. Last evaluated: 2024-04-02. Review status: no assertion criteria provided. Collection method: clinical testing. Allele origin: germline. Not counted in ClinVar's aggregate classification.
Comment: This variant is classified as likely benign based on ACMG/AMP sequence variant interpretation guidelines (Richards et al. 2015 PMID: 25741868, with internal and published modifications).